The following is an entry in ClinVar:

ClinVar aggregate classification (germline): Uncertain significance (1 of 4 stars; one submission).

Submission:

Ambry Genetics
Classification: Uncertain significance. Last evaluated: 2024-01-16. Review status: criteria provided, single submitter. Criteria: Ambry Variant Classification Scheme 2023. Collection method: clinical testing. Allele origin: germline.
Comment: The p.Y364F variant (also known as c.1091A>T), located in coding exon 3 of the EGLN2 gene, results from an A to T substitution at nucleotide position 1091. The tyrosine at codon 364 is replaced by phenylalanine, an amino acid with highly similar properties. This amino acid position is conserved. In addition, this alteration is predicted to be tolerated by in silico analysis. Since supporting evidence is limited at this time, the clinical significance of this alteration remains unclear.

NM_080732.4(EGLN2):c.1091A>T (p.Tyr364Phe)

Genes: EGLN2 (egl-9 family hypoxia inducible factor 2; plus strand), RAB4B-EGLN2 (RAB4B-EGLN2 readthrough (NMD candidate); plus strand). Cytogenetic location: 19q13.2.
Variant type: single nucleotide variant.
Coding change: c.1091A>T on transcript NM_080732.4 (MANE Select); coding-DNA position 1091, A replaced by T.
Protein change: p.Tyr364Phe; replaces tyrosine 364 with phenylalanine.
Molecular consequence: missense variant. On other transcripts: non-coding transcript variant (1).
Genome position (GRCh38, 1-based): chr19:40,807,265, A>T. VCF-style: chr19-40807265-A-T. GRCh37 (hg19) VCF-style: chr19-41313170-A-T.
Other names: c.1091A>T, p.Tyr364Phe (NM_053046.4); short protein forms Y364F.
Identifiers: ClinVar variation 1789385 (VCV001789385.2), dbSNP rs2083311293, ClinGen allele CA405956663.